The following is an entry in ClinVar:

ClinVar aggregate classification (germline): Conflicting classifications of pathogenicity. Review status: criteria provided, conflicting classifications (1 of 4 stars). 6 submissions from 6 submitters: Uncertain significance (1); Likely benign (5). Last evaluated 2026-09-01.

Conditions:
Nicolaides-Baraitser syndrome (NCBRS). Also called: SMARCA2-Related Nicolaides-Baraitser Syndrome; Intellectual disability-sparse hair-brachydactyly syndrome. Identifiers: Orphanet 3051, MedGen C1303073, MONDO:0011053, OMIM 601358.
Inborn genetic diseases. Identifiers: MedGen C0950123, MeSH D030342.

Allele frequency attached by ClinVar (database versions not stated): gnomAD 0.00006; TOPMed 0.00016; 1000 Genomes Project 30x 0.00031.
gnomAD v4.1: 12 of 1,024,004 alleles (0.0012%); highest among the groups gnomAD compares: Admixed American, 0.061%; no homozygotes.

Submissions (6):

CeGaT Center for Human Genetics Tuebingen
Classification: Likely benign. Last evaluated: 2026-09-01. Review status: criteria provided, single submitter. Criteria: CeGaT Center For Human Genetics Tuebingen Variant Classification Criteria Version 2. Collection method: clinical testing. Allele origin: germline. Affected: yes. Observed: 3 variant alleles.
Comment: SMARCA2: BP4, BP7

Labcorp Genetics (formerly Invitae), Labcorp
Classification: Likely benign. Last evaluated: 2026-01-17. Review status: criteria provided, single submitter. Criteria: Invitae Variant Classification Sherloc (09022015). Collection method: clinical testing. Allele origin: germline.

Blueprint Genetics
Classification: Likely benign. Last evaluated: 2022-04-27. Review status: criteria provided, single submitter. Criteria: ACMG Guidelines, 2015. Collection method: clinical testing. Allele origin: germline.

GeneDx
Classification: Likely benign. Last evaluated: 2020-12-02. Review status: criteria provided, single submitter. Criteria: GeneDx Variant Classification Process June 2021. Collection method: clinical testing. Allele origin: germline. Affected: yes.

Ambry Genetics
Classification: Likely benign for Inborn genetic diseases. Last evaluated: 2018-02-01. Review status: criteria provided, single submitter. Criteria: Ambry Variant Classification Scheme 2023. Collection method: clinical testing. Allele origin: germline.

Illumina Laboratory Services, Illumina
Classification: Uncertain significance for Nicolaides-Baraitser syndrome. Last evaluated: 2018-01-13. Review status: criteria provided, single submitter. Criteria: ICSL Variant Classification Criteria 13 December 2019. Collection method: clinical testing. Allele origin: germline.

NM_003070.5(SMARCA2):c.876C>T (p.Pro292=)

Gene: SMARCA2 (SWI/SNF related BAF chromatin remodeling complex subunit ATPase 2; plus strand). Cytogenetic location: 9p24.3.
Variant type: single nucleotide variant.
Coding change: c.876C>T on transcript NM_003070.5 (MANE Select); coding-DNA position 876, C replaced by T.
Protein change: p.Pro292=; no amino-acid change (proline 292 retained).
Molecular consequence: synonymous variant.
Genome position (GRCh38, 1-based): chr9:2,047,314, C>T. VCF-style: chr9-2047314-C-T. GRCh37 (hg19) VCF-style: chr9-2047314-C-T.
Other names: c.876C>T, p.Pro292= (NM_001289396.2, NM_001289397.2, NM_139045.4).
Identifiers: ClinVar variation 913314 (VCV000913314.18), dbSNP rs1046917367, ClinGen allele CA187900996.
Genomic context (GRCh38, chr9:2,047,314, plus strand): 5'-GAGCACCCCGCAGAAGCTGCCGGTGCCCGCGCCCGGCGGCCGGCCCTCGCCCGCGCCCCC[C>T]GCAGCCGCGCAGCCGCCCGCGGCCGCAGTGCCCGGGCCCTCAGTGCCGCAGCCGGCCCCG-3'
Protein context (NP_003061.3, residues 282-302): APGGRPSPAP[Pro292=]AAAQPPAAAV